The following is an entry in ClinVar:

NM_015346.4(ZFYVE26):c.7588C>T (p.Arg2530Trp)

Gene: ZFYVE26 (zinc finger FYVE-type containing 26; minus strand). Cytogenetic location: 14q24.1.
Variant type: single nucleotide variant.
Coding change: c.7588C>T on transcript NM_015346.4 (MANE Select); coding-DNA position 7588, C replaced by T.
Protein change: p.Arg2530Trp; replaces arginine 2530 with tryptophan.
Molecular consequence: missense variant.
Genome position (GRCh38, 1-based): chr14:67,748,468, G>A on the plus strand (C>T on the coding strand, the complement: ZFYVE26 is on the minus strand). VCF-style: chr14-67748468-G-A. GRCh37 (hg19) VCF-style: chr14-68215185-G-A.
Other names: short protein forms R2530W.
Identifiers: ClinVar variation 313872 (VCV000313872.7), dbSNP rs574871334, ClinGen allele CA7238913.
Genomic context (GRCh38, chr14:67,748,468, plus strand): 5'-CACGTGTTCCTGGCCCCACTGCCCAAGGTCACTTCCTGGAGCCTGGGCCATGGGCACCCC[G>A]GGGGTGGCTTGTCAGAAGCCACTGGGCACAGATGTCTTGCACTACTGCATCCCCGCTGCT-3'
Protein context (NP_056161.2, residues 2520-2539): CAQWLLTSHP[Arg2530Trp]GAHGPGSRK

ClinVar aggregate classification (germline): Uncertain significance. Review status: criteria provided, multiple submitters, no conflicts (2 of 4 stars). 2 submissions from 2 submitters: Uncertain significance (2). Last evaluated 2025-11-21.

Conditions:
Hereditary spastic paraplegia 15 (SPG15). Also called: KJELLIN SYNDROME; SPASTIC PARAPLEGIA AND RETINAL DEGENERATION; SPASTIC PARAPLEGIA 15, AUTOSOMAL RECESSIVE. Identifiers: Orphanet 100996, MedGen C1849128, MONDO:0010044, OMIM 270700.

Allele frequency attached by ClinVar (database versions not stated): ExAC 0.00004; gnomAD 0.00005 and 0.00006; TOPMed 0.00006; 1000 Genomes Project 30x 0.00016; 1000 Genomes Project 0.00020.
gnomAD v4.1: 49 of 1,612,772 alleles (0.003%); highest among the groups gnomAD compares: South Asian, 0.021%; 1 homozygote.

Submissions (2):

GeneDx
Classification: Uncertain significance. Last evaluated: 2025-11-21. Review status: criteria provided, single submitter. Criteria: GeneDx Variant Classification Process June 2021. Collection method: clinical testing. Allele origin: germline.
Comment: In silico analysis suggests that this missense variant does not alter protein structure/function; Has not been previously published as pathogenic or benign to our knowledge

Illumina Laboratory Services, Illumina
Classification: Uncertain significance for Hereditary spastic paraplegia 15. Last evaluated: 2018-01-13. Review status: criteria provided, single submitter. Criteria: ICSL Variant Classification Criteria 13 December 2019. Collection method: clinical testing. Allele origin: germline.